The following is an entry in ClinVar:

NM_015378.4(VPS13D):c.2081G>A (p.Arg694His)

Gene: VPS13D (vacuolar protein sorting 13 homolog D; plus strand). Cytogenetic location: 1p36.22.
Variant type: single nucleotide variant.
Coding change: c.2081G>A on transcript NM_015378.4 (MANE Select); coding-DNA position 2081, G replaced by A.
Protein change: p.Arg694His; replaces arginine 694 with histidine.
Molecular consequence: missense variant.
Genome position (GRCh38, 1-based): chr1:12,271,102, G>A. VCF-style: chr1-12271102-G-A. GRCh37 (hg19) VCF-style: chr1-12331159-G-A.
Other names: c.2081G>A, p.Arg694His (NM_018156.4); short protein forms R694H.
Identifiers: ClinVar variation 2156470 (VCV002156470.4), dbSNP rs930660878, ClinGen allele CA18036655.

ClinVar aggregate classification (germline): Uncertain significance (1 of 4 stars; one submission).

Allele frequency attached by ClinVar (database versions not stated): gnomAD exomes 0.00001; TOPMed 0.00003; gnomAD 0.00004.
gnomAD v4.1: 16 of 1,613,816 alleles (0.00099%); highest among the groups gnomAD compares: African/African-American, 0.008%; no homozygotes.

Submission:

Labcorp Genetics (formerly Invitae), Labcorp
Classification: Uncertain significance. Last evaluated: 2025-05-05. Review status: criteria provided, single submitter. Criteria: Invitae Variant Classification Sherloc (09022015). Collection method: clinical testing. Allele origin: germline.
Comment: This sequence change replaces arginine, which is basic and polar, with histidine, which is basic and polar, at codon 694 of the VPS13D protein (p.Arg694His). The frequency data for this variant in the population databases is considered unreliable, as metrics indicate poor data quality at this position in the gnomAD database. This variant has not been reported in the literature in individuals affected with VPS13D-related conditions. ClinVar contains an entry for this variant (Variation ID: 2156470). Invitae Evidence Modeling of protein sequence and biophysical properties (such as structural, functional, and spatial information, amino acid conservation, physicochemical variation, residue mobility, and thermodynamic stability) indicates that this missense variant is not expected to disrupt VPS13D protein function with a negative predictive value of 80%. In summary, the available evidence is currently insufficient to determine the role of this variant in disease. Therefore, it has been classified as a Variant of Uncertain Significance.